The following is an entry in ClinVar:

NM_138713.4(NFAT5):c.844A>G (p.Lys282Glu)

Gene: NFAT5 (nuclear factor of activated T cells 5; plus strand). Cytogenetic location: 16q22.1.
Variant type: single nucleotide variant.
Coding change: c.844A>G on transcript NM_138713.4 (MANE Select); coding-DNA position 844, A replaced by G.
Protein change: p.Lys282Glu; replaces lysine 282 with glutamic acid.
Molecular consequence: missense variant.
Genome position (GRCh38, 1-based): chr16:69,653,267, A>G. VCF-style: chr16-69653267-A-G. GRCh37 (hg19) VCF-style: chr16-69687170-A-G.
Other names: c.844A>G, p.Lys282Glu (NM_001113178.3); c.172A>G, p.Lys58Glu (NM_001367709.1); c.790A>G, p.Lys264Glu (NM_006599.4); c.562A>G, p.Lys188Glu (NM_138714.4, NM_173214.3, NM_173215.3); short protein forms K188E, K264E, K282E, K58E.
Identifiers: ClinVar variation 1718589 (VCV001718589.5), dbSNP rs2543968740, ClinGen allele CA396489111.

ClinVar aggregate classification (germline): Uncertain significance (1 of 4 stars; one submission).

Conditions:
Immunodeficiency. Identifiers: MedGen C0021051, MONDO:0021094, HP:0002721.

Allele frequency attached by ClinVar (database versions not stated): gnomAD exomes below 0.00001.
gnomAD v4.1: 2 of 1,594,936 alleles (0.00013%); highest among the groups gnomAD compares: Non-Finnish European, 0.000085%; no homozygotes.

Submission:

Labcorp Genetics (formerly Invitae), Labcorp
Classification: Uncertain significance for Immunodeficiency. Last evaluated: 2022-09-01. Review status: criteria provided, single submitter. Criteria: Invitae Variant Classification Sherloc (09022015). Collection method: clinical testing. Allele origin: germline.
Comment: This variant is not present in population databases (gnomAD no frequency). This sequence change replaces lysine, which is basic and polar, with glutamic acid, which is acidic and polar, at codon 188 of the NFAT5 protein (p.Lys188Glu). This variant has not been reported in the literature in individuals affected with NFAT5-related conditions. Algorithms developed to predict the effect of missense changes on protein structure and function (SIFT, PolyPhen-2, Align-GVGD) all suggest that this variant is likely to be tolerated. In summary, the available evidence is currently insufficient to determine the role of this variant in disease. Therefore, it has been classified as a Variant of Uncertain Significance.